The following is an entry in ClinVar:

ClinVar aggregate classification (germline): Uncertain significance (1 of 4 stars; one submission).

Conditions:
Pheochromocytoma/paraganglioma syndrome 3. Also called: GLOMUS TUMORS, FAMILIAL, 3; SDHC-Related Hereditary Paraganglioma-Pheochromocytoma Syndrome (Paragangliomas 3); Paragangliomas 3; SDHC-Related Hereditary Paraganglioma-Pheochromocytoma Syndrome. Identifiers: Orphanet 29072, MedGen C1854336, MONDO:0011544, OMIM 605373.
Gastrointestinal stromal tumor. Also called: Gastrointestinal stromal tumor, somatic; Gastrointestinal stroma tumor. Identifiers: Orphanet 44890, MedGen C0238198, MeSH D046152, MONDO:0011719, OMIM 606764, HP:0100723.

Submission:

Labcorp Genetics (formerly Invitae), Labcorp
Classification: Uncertain significance for Pheochromocytoma/paraganglioma syndrome 3; Gastrointestinal stromal tumor. Last evaluated: 2020-05-29. Review status: criteria provided, single submitter. Criteria: Invitae Variant Classification Sherloc (09022015). Collection method: clinical testing. Allele origin: germline.
Comment: In summary, this variant is a novel missense change with uncertain impact on protein function. It has been classified as a Variant of Uncertain Significance. Algorithms developed to predict the effect of missense changes on protein structure and function do not agree on the potential impact of this missense change (SIFT: "Deleterious"; PolyPhen-2: "Probably Damaging"; Align-GVGD: "Class C0"). This variant is not present in population databases (ExAC no frequency) and has not been reported in the literature in individuals with an SDHC-related disease. This sequence change replaces alanine with aspartic acid at codon 77 of the SDHC protein (p.Ala77Asp). The alanine residue is moderately conserved and there is a moderate physicochemical difference between alanine and aspartic acid.

NM_003001.5(SDHC):c.230C>A (p.Ala77Asp)

Gene: SDHC (succinate dehydrogenase complex subunit C; plus strand). Cytogenetic location: 1q23.3.
Variant type: single nucleotide variant.
Coding change: c.230C>A on transcript NM_003001.5 (MANE Select); coding-DNA position 230, C replaced by A.
Protein change: p.Ala77Asp; replaces alanine 77 with aspartic acid.
Molecular consequence: missense variant.
Genome position (GRCh38, 1-based): chr1:161,340,644, C>A. VCF-style: chr1-161340644-C-A. GRCh37 (hg19) VCF-style: chr1-161310434-C-A.
Other names: c.230C>A, p.Ala77Asp (NM_001035511.3); c.128C>A, p.Ala43Asp (NM_001035512.3, NM_001278172.3, NM_001407118.1); c.71C>A, p.Ala24Asp (NM_001035513.3); c.350C>A, p.Ala117Asp (NM_001407115.1); c.173C>A, p.Ala58Asp (NM_001407116.1, NM_001407117.1, NM_001407121.1); c.119C>A, p.Ala40Asp (NM_001407119.1, NM_001407120.1); short protein forms A77D, A43D, A24D, A40D, A117D, A58D.
Identifiers: ClinVar variation 407062 (VCV000407062.6), dbSNP rs1060501393, ClinGen allele CA16609916.
Genomic context (GRCh38, chr1:161,340,644, plus strand): 5'-TTCTTTACAGTTGGTCTCTTCCCATGGCGATGTCCATCTGCCACCGTGGCACTGGTATTG[C>A]TTTGAGTGCAGGTATGTATATGTGTTTTTACACACACATATGTGCTTCTTTGAAAAACTT-3'
Protein context (NP_002992.1, residues 67-87): MSICHRGTGI[Ala77Asp]LSAGVSLFGM